The following is an entry in ClinVar:

ClinVar aggregate classification (germline): Uncertain significance (1 of 4 stars; one submission).

Submission:

Labcorp Genetics (formerly Invitae), Labcorp
Classification: Uncertain significance. Last evaluated: 2023-03-19. Review status: criteria provided, single submitter. Criteria: Invitae Variant Classification Sherloc (09022015). Collection method: clinical testing. Allele origin: germline.
Comment: This sequence change replaces lysine, which is basic and polar, with glutamic acid, which is acidic and polar, at codon 792 of the MYLK3 protein (p.Lys792Glu). This variant is not present in population databases (gnomAD no frequency). This variant has not been reported in the literature in individuals affected with MYLK3-related conditions. An algorithm developed to predict the effect of missense changes on protein structure and function (PolyPhen-2) suggests that this variant is likely to be disruptive. In summary, the available evidence is currently insufficient to determine the role of this variant in disease. Therefore, it has been classified as a Variant of Uncertain Significance.

NM_182493.3(MYLK3):c.2374A>G (p.Lys792Glu)

Gene: MYLK3 (myosin light chain kinase 3; minus strand). Cytogenetic location: 16q11.2.
Variant type: single nucleotide variant.
Coding change: c.2374A>G on transcript NM_182493.3 (MANE Select); coding-DNA position 2374, A replaced by G.
Protein change: p.Lys792Glu; replaces lysine 792 with glutamic acid.
Molecular consequence: missense variant.
Genome position (GRCh38, 1-based): chr16:46,709,565, T>C on the plus strand (A>G on the coding strand, the complement: MYLK3 is on the minus strand). VCF-style: chr16-46709565-T-C. GRCh37 (hg19) VCF-style: chr16-46743477-T-C.
Other names: c.1351A>G, p.Lys451Glu (NM_001308301.1); short protein forms K792E, K451E.
Identifiers: ClinVar variation 2847437 (VCV002847437.3), dbSNP rs2548897662, ClinGen allele CA395785646.
Genomic context (GRCh38, chr16:46,709,565, plus strand): 5'-AAATTCCACCTTTACTAAGAGAAAAACCAAATACCTTCCATTTTCTTTGAGCTATGTATT[T>C]CTGCAGCAGTAGTTGGGATTTGAGACGAGTTTTGGATCTTGAAGCTTTGGCAGGCAAATT-3'
Protein context (NP_872299.2, residues 782-802): TRLKSQLLLQ[Lys792Glu]YIAQRKWKKH